The following is an entry in ClinVar:

ClinVar aggregate classification (germline): Uncertain significance (1 of 4 stars; one submission).

Conditions:
POLD1-related polyposis and colorectal cancer syndrome (CRCS10). Also called: Colorectal cancer 10; COLORECTAL CANCER, SUSCEPTIBILITY TO, ON CHROMOSOME 19q; Colorectal cancer, susceptibility to, 10. Identifiers: Orphanet 220460, MedGen C2675481, MONDO:0012953, OMIM 612591.

Submission:

Labcorp Genetics (formerly Invitae), Labcorp
Classification: Uncertain significance for POLD1-related polyposis and colorectal cancer syndrome. Last evaluated: 2021-12-08. Review status: criteria provided, single submitter. Criteria: Invitae Variant Classification Sherloc (09022015). Collection method: clinical testing. Allele origin: germline.
Comment: In summary, the available evidence is currently insufficient to determine the role of this variant in disease. Therefore, it has been classified as a Variant of Uncertain Significance. Experimental studies and prediction algorithms are not available or were not evaluated, and the functional significance of this variant is currently unknown. ClinVar contains an entry for this variant (Variation ID: 936820). This variant has not been reported in the literature in individuals affected with POLD1-related conditions. This variant is not present in population databases (gnomAD no frequency). This variant, c.128_136del, results in the deletion of 3 amino acid(s) of the POLD1 protein (p.Glu43_Glu45del), but otherwise preserves the integrity of the reading frame.

NM_002691.4(POLD1):c.128_136del (p.Glu43_Glu45del)

Gene: POLD1 (DNA polymerase delta 1, catalytic subunit; plus strand). Cytogenetic location: 19q13.33.
Variant type: Deletion.
Coding change: c.128_136del on transcript NM_002691.4 (MANE Select); coding-DNA positions 128 to 136, 9 bases deleted (AGATGGAGG; older notation c.128_136delAGATGGAGG).
Protein change: p.Glu43_Glu45del.
Molecular consequence: inframe deletion. On other transcripts: non-coding transcript variant (1).
Genome position (GRCh38, 1-based): chr19:50,398,979-50,398,987, AGATGGAGG deleted; deleting any 9 consecutive bases within chr19:50,398,971-50,398,987 gives the same sequence; the c. name uses the placement nearest the transcript's 3' end. VCF-style (leftmost placement, unchanged base first): chr19-50398970-TGATGGAGGA-T. GRCh37 (hg19) VCF-style: chr19-50902227-TGATGGAGGA-T.
Other names: c.128_136del, p.Glu43_Glu45del (NM_001256849.1, NM_001308632.1).
Identifiers: ClinVar variation 936820 (VCV000936820.7), dbSNP rs2038478231, ClinGen allele CA1139666549.